The following is an entry in ClinVar:

ClinVar aggregate classification (germline): Uncertain significance (1 of 4 stars; one submission).

Conditions:
Primary ciliary dyskinesia. Also called: Ciliary dyskinesia. Identifiers: Orphanet 244, MedGen C0008780, MONDO:0016575, HP:0012265.

Submission:

Labcorp Genetics (formerly Invitae), Labcorp
Classification: Uncertain significance for Primary ciliary dyskinesia. Last evaluated: 2020-10-26. Review status: criteria provided, single submitter. Criteria: Invitae Variant Classification Sherloc (09022015). Collection method: clinical testing. Allele origin: germline.
Comment: In summary, the available evidence is currently insufficient to determine the role of this variant in disease. Therefore, it has been classified as a Variant of Uncertain Significance. Algorithms developed to predict the effect of sequence changes on RNA splicing suggest that this variant may create or strengthen a splice site, but this prediction has not been confirmed by published transcriptional studies. This variant has not been reported in the literature in individuals with RSPH1-related conditions. This variant is not present in population databases (ExAC no frequency). This sequence change affects codon 13 of the RSPH1 mRNA. It is a 'silent' change, meaning that it does not change the encoded amino acid sequence of the RSPH1 protein.

NM_080860.4(RSPH1):c.39A>T (p.Gly13=)

Gene: RSPH1 (radial spoke head component 1; minus strand). Cytogenetic location: 21q22.3.
Variant type: single nucleotide variant.
Coding change: c.39A>T on transcript NM_080860.4 (MANE Select); coding-DNA position 39, A replaced by T.
Protein change: p.Gly13=; no amino-acid change (glycine 13 retained).
Molecular consequence: synonymous variant.
Genome position (GRCh38, 1-based): chr21:42,496,148, T>A on the plus strand (A>T on the coding strand, the complement: RSPH1 is on the minus strand). VCF-style: chr21-42496148-T-A. GRCh37 (hg19) VCF-style: chr21-43916258-T-A.
Other names: c.39A>T, p.Gly13= (NM_001286506.2).
Identifiers: ClinVar variation 933475 (VCV000933475.10), dbSNP rs2054286476, ClinGen allele CA512424187.